The following is an entry in ClinVar:

NM_000492.4(CFTR):c.3293G>T (p.Trp1098Leu)

Genes: CFTR (CF transmembrane conductance regulator; plus strand), CFTR-AS2 (CFTR antisense RNA 2; minus strand), LOC111674472 (DNase I hypersensitive sites in introns 16 and 17a of CFTR; plus strand). Cytogenetic location: 7q31.2.
Variant type: single nucleotide variant.
Coding change: c.3293G>T on transcript NM_000492.4 (MANE Select); coding-DNA position 3293, G replaced by T.
Protein change: p.Trp1098Leu; replaces tryptophan 1098 with leucine.
Molecular consequence: missense variant.
Genome position (GRCh38, 1-based): chr7:117,611,734, G>T. VCF-style: chr7-117611734-G-T. GRCh37 (hg19) VCF-style: chr7-117251788-G-T.
Other names: W1098L.
Identifiers: ClinVar variation 1706003 (VCV001706003.1), dbSNP rs397508532, ClinGen allele CA368992413.

ClinVar aggregate classification (germline): Likely pathogenic (1 of 4 stars; one submission).

Conditions:
Cystic fibrosis (CF). Also called: MUCOVISCIDOSIS. Identifiers: Orphanet 586, MedGen C0010674, MONDO:0009061, OMIM 219700. Disease mechanism: loss of function.

Submission:

Institute of Human Genetics, University of Leipzig Medical Center
Classification: Likely pathogenic for Cystic fibrosis. Last evaluated: 2022-09-05. Review status: criteria provided, single submitter. Criteria: ACMG Guidelines, 2015. Collection method: curation. Allele origin: unknown. Affected: yes. Observed: 5 variant alleles.
Comment: This variant was identified in 5 unrelated patients with a clinically confirmed diagnosis of cystic fibrosis. The variant was classified in the context of a project re-classifying variants in the German Cystic Fibrosis Registry (Muko.e.V.). Criteria applied: PM2_SUP, PM3, PM5_STR, PP3, PP4